The following is an entry in ClinVar:

ClinVar aggregate classification (germline): Likely pathogenic (1 of 4 stars; one submission).

Conditions:
Pyruvate kinase hyperactivity. Identifiers: MedGen C1863224, MONDO:0007067, OMIM 102900.
Pyruvate kinase deficiency of red cells (CNSHA2). Also called: PK DEFICIENCY; PYRUVATE KINASE DEFICIENCY OF ERYTHROCYTE; Pyruvate kinase deficiency, Amish type. Identifiers: Orphanet 766, MedGen C0340968, MONDO:0009950, OMIM 266200.

gnomAD v4.1: 2 of 1,614,248 alleles (0.00012%); highest among the groups gnomAD compares: Non-Finnish European, 0.00017%; no homozygotes.

Submission:

Juno Genomics, Hangzhou Juno Genomics, Inc
Classification: Likely pathogenic for Pyruvate kinase hyperactivity; Pyruvate kinase deficiency of red cells. Review status: criteria provided, single submitter. Criteria: ACMG Guidelines, 2015. Collection method: clinical testing. Allele origin: germline. Affected: yes.
Comment: Absent from controls (or at extremely low frequency if recessive) in Genome Aggregation Database, Exome Sequencing Project, 1000 Genomes Project, or Exome Aggregation Consortium.;Null variant in a gene where loss of function (LOF) is a known mechanism of disease.

NM_000298.6(PKLR):c.965+1G>A

Gene: PKLR (pyruvate kinase L/R; minus strand). Cytogenetic location: 1q22.
Variant type: single nucleotide variant.
Coding change: c.965+1G>A on transcript NM_000298.6 (MANE Select); the canonical splice donor site of the intron after coding-DNA position 965, G replaced by A.
Molecular consequence: splice donor variant.
Genome position (GRCh38, 1-based): chr1:155,294,481, C>T on the plus strand (G>A on the coding strand, the complement: PKLR is on the minus strand). VCF-style: chr1-155294481-C-T. GRCh37 (hg19) VCF-style: chr1-155264272-C-T.
Other names: c.872+1G>A (NM_181871.4).
Identifiers: ClinVar variation 3382419 (VCV003382419.2).
Genomic context (GRCh38, chr1:155,294,481, plus strand): 5'-GGAGAAGAAAGGTGATGGGGAATAGCGACAGGGCCGAAGGGGAACAGAGCCCAAGCCTCA[C>T]CTCTTCACGCCTTCGTGGTTCTCAATTTTGCTGATGATCTTGATGCCGTGTCCTTCCGGA-3'